The following is an entry in ClinVar:

NM_000334.4(SCN4A):c.4340T>C (p.Phe1447Ser)

Genes: GH-LCR (growth hormone locus control region; plus strand), SCN4A (sodium voltage-gated channel alpha subunit 4; minus strand). Cytogenetic location: 17q23.3.
Variant type: single nucleotide variant.
Coding change: c.4340T>C on transcript NM_000334.4 (MANE Select); coding-DNA position 4340, T replaced by C.
Protein change: p.Phe1447Ser; replaces phenylalanine 1447 with serine.
Molecular consequence: missense variant.
Genome position (GRCh38, 1-based): chr17:63,941,942, A>G on the plus strand (T>C on the coding strand, the complement: SCN4A is on the minus strand). VCF-style: chr17-63941942-A-G. GRCh37 (hg19) VCF-style: chr17-62019302-A-G.
Other names: short protein forms F1447S.
Identifiers: ClinVar variation 2573173 (VCV002573173.1), dbSNP rs2509285379, ClinGen allele CA400616194.

ClinVar aggregate classification (germline): Likely pathogenic (1 of 4 stars; one submission).

Conditions:
Congenital myopathy 22B, severe fetal (CMYO22B). Identifiers: MedGen C5830501, MONDO:0957265, OMIM 620369.

Submission:

Cytogenetics and Genomics Lab, Cyprus Institute Of Neurology and Genetics
Classification: Likely pathogenic for Congenital myopathy 22B, severe fetal. Last evaluated: 2023-07-17. Review status: criteria provided, single submitter. Criteria: ACGS Guidelines, 2020. Collection method: research. Allele origin: paternal. Affected: yes.
Comment: The variant is absent form gnomAD population database and is located in a mutational hotspot. Computational tools classify this change as strong pathogenic. The patient's phenotype is also highly specific for Congenital Myopathy 22B, severe fetal as proposed by Zaharieva et al.,2016).